The following is an entry in ClinVar:

ClinVar aggregate classification (germline): Likely benign. Review status: criteria provided, multiple submitters, no conflicts (2 of 4 stars). 3 submissions from 3 submitters: Likely benign (3). Last evaluated 2024-12-24.

Conditions:
Leukoencephalopathy with brain stem and spinal cord involvement-high lactate syndrome (LBSL). Also called: MITOCHONDRIAL ASPARTYL-tRNA SYNTHETASE DEFICIENCY; Leukoencephalopathy with Brainstem and Spinal Cord Involvement and Lactate Elevation; LEUKOENCEPHALOPATHY WITH BRAINSTEM AND SPINAL CORD INVOLVEMENT AND LACTATE ELEVATION, MILD. Identifiers: Orphanet 137898, MedGen C1970180, MONDO:0012622, OMIM 611105.

Allele frequency attached by ClinVar (database versions not stated): gnomAD 0.00001; ExAC 0.00002; TOPMed 0.00002; gnomAD exomes 0.00003.
gnomAD v4.1: 40 of 1,613,604 alleles (0.0025%); highest among the groups gnomAD compares: Non-Finnish European, 0.0031%; no homozygotes.

Submissions (3):

Labcorp Genetics (formerly Invitae), Labcorp
Classification: Likely benign. Last evaluated: 2024-12-24. Review status: criteria provided, single submitter. Criteria: Invitae Variant Classification Sherloc (09022015). Collection method: clinical testing. Allele origin: germline.

Genome-Nilou Lab
Classification: Likely benign for Leukoencephalopathy with brain stem and spinal cord involvement-high lactate syndrome. Last evaluated: 2023-04-11. Review status: criteria provided, single submitter. Criteria: ACMG Guidelines, 2015. Collection method: clinical testing. Allele origin: germline. Affected: no.

GeneDx
Classification: Likely benign. Last evaluated: 2016-03-04. Review status: criteria provided, single submitter. Criteria: GeneDx Variant Classification (06012015). Collection method: clinical testing. Allele origin: germline. Affected: yes.
Comment: This variant is considered likely benign or benign based on one or more of the following criteria: it is a conservative change, it occurs at a poorly conserved position in the protein, it is predicted to be benign by multiple in silico algorithms, and/or has population frequency not consistent with disease.

NM_018122.5(DARS2):c.303C>T (p.Ala101=)

Gene: DARS2 (aspartyl-tRNA synthetase 2, mitochondrial; plus strand). Cytogenetic location: 1q25.1.
Variant type: single nucleotide variant.
Coding change: c.303C>T on transcript NM_018122.5 (MANE Select); coding-DNA position 303, C replaced by T.
Protein change: p.Ala101=; no amino-acid change (alanine 101 retained).
Molecular consequence: synonymous variant.
Genome position (GRCh38, 1-based): chr1:173,830,668, C>T. VCF-style: chr1-173830668-C-T. GRCh37 (hg19) VCF-style: chr1-173799806-C-T.
Other names: c.303C>T, p.Ala101= (NM_001365212.1, NM_001365213.2).
Identifiers: ClinVar variation 379674 (VCV000379674.6), dbSNP rs781148189, ClinGen allele CA1250103.